The following is an entry in ClinVar:

ClinVar aggregate classification (germline): Uncertain significance. Review status: criteria provided, multiple submitters, no conflicts (2 of 4 stars). 2 submissions from 2 submitters: Uncertain significance (2). Last evaluated 2024-09-02.

Conditions:
Inborn genetic diseases. Identifiers: MedGen C0950123, MeSH D030342.

Allele frequency attached by ClinVar (database versions not stated): gnomAD exomes 0.00004 and 0.00007; ExAC 0.00007; ESP Exome Variant Server 0.00008; 1000 Genomes Project 30x 0.00016; 1000 Genomes Project 0.00020; TOPMed 0.00040; gnomAD 0.00042 and 0.00045.
gnomAD v4.1: 114 of 1,614,104 alleles (0.0071%); highest among the groups gnomAD compares: African/African-American, 0.15%; no homozygotes.

Submissions (2):

Ambry Genetics
Classification: Uncertain significance for Inborn genetic diseases. Last evaluated: 2024-09-02. Review status: criteria provided, single submitter. Criteria: Ambry Variant Classification Scheme 2023. Collection method: clinical testing. Allele origin: germline.

Labcorp Genetics (formerly Invitae), Labcorp
Classification: Uncertain significance. Last evaluated: 2022-03-10. Review status: criteria provided, single submitter. Criteria: Invitae Variant Classification Sherloc (09022015). Collection method: clinical testing. Allele origin: germline.
Comment: This sequence change replaces proline, which is neutral and non-polar, with histidine, which is basic and polar, at codon 111 of the TMIE protein (p.Pro111His). This variant is present in population databases (rs371918087, gnomAD 0.09%). This variant has not been reported in the literature in individuals affected with TMIE-related conditions. Algorithms developed to predict the effect of missense changes on protein structure and function are either unavailable or do not agree on the potential impact of this missense change (SIFT: "Deleterious"; PolyPhen-2: "Probably Damaging"; Align-GVGD: "Class C0"). In summary, the available evidence is currently insufficient to determine the role of this variant in disease. Therefore, it has been classified as a Variant of Uncertain Significance.

NM_147196.3(TMIE):c.332C>A (p.Pro111His)

Gene: TMIE (transmembrane inner ear; plus strand). Cytogenetic location: 3p21.31.
Variant type: single nucleotide variant.
Coding change: c.332C>A on transcript NM_147196.3 (MANE Select); coding-DNA position 332, C replaced by A.
Protein change: p.Pro111His; replaces proline 111 with histidine.
Molecular consequence: missense variant.
Genome position (GRCh38, 1-based): chr3:46,709,246, C>A. VCF-style: chr3-46709246-C-A. GRCh37 (hg19) VCF-style: chr3-46750736-C-A.
Other names: c.173C>A, p.Pro58His (NM_001370524.1, NM_001370525.1); c.332C>A (NM_147196.2); short protein forms P111H, P58H.
Identifiers: ClinVar variation 1364516 (VCV001364516.6), dbSNP rs371918087, ClinGen allele CA2357989.